The following is an entry in ClinVar:

NM_000138.5(FBN1):c.143dup (p.Gly49fs)

Gene: FBN1 (fibrillin 1; minus strand). Cytogenetic location: 15q21.1.
Variant type: Duplication.
Coding change: c.143dup on transcript NM_000138.5 (MANE Select); coding-DNA position 143, one base duplicated (G; older notation c.143dupG).
Protein change: p.Gly49fs; shifts the reading frame from glycine 49.
Molecular consequence: frameshift variant.
Genome position (GRCh38, 1-based): chr15:48,644,627, C duplicated on the plus strand (G on the coding strand, the reverse complement: FBN1 is on the minus strand); the first of 2 consecutive C bases (chr15:48,644,627-48,644,628); duplicating either gives the same sequence. VCF-style (leftmost placement, unchanged base first): chr15-48644626-T-TC. GRCh37 (hg19) VCF-style: chr15-48936823-T-TC.
Other names: c.143dup, p.Gly49fs (NM_001406716.1, NM_001406717.1, NM_001406718.1); short protein forms G49fs.
Identifiers: ClinVar variation 3764786 (VCV003764786.1).

ClinVar aggregate classification (germline): Pathogenic (1 of 4 stars; one submission).

Conditions:
Marfan syndrome (MFS). Also called: MARFAN SYNDROME, TYPE I; Marfan syndrome type 1; Marfan's syndrome; Marfan syndrome, classic; FBN1-Related Marfan Syndrome. Identifiers: Orphanet 284963, Orphanet 558, MedGen C0024796, MONDO:0007947, OMIM 154700.

Submission:

MVZ Medizinische Genetik Mainz
Classification: Pathogenic for Marfan syndrome. Last evaluated: 2025-01-29. Review status: criteria provided, single submitter. Criteria: UK Practice Guidelines For Variant Classification V4 01 2020. Collection method: clinical testing. Allele origin: germline. Inheritance: Autosomal dominant inheritance. Affected: yes. Observed: 1 variant allele.
Comment: ACMG Criteria: PVS1,PM2_SUP,PP4